The following is an entry in ClinVar:

ClinVar aggregate classification (germline): Uncertain significance. Review status: criteria provided, multiple submitters, no conflicts (2 of 4 stars). 2 submissions from 2 submitters: Uncertain significance (2). Last evaluated 2025-10-04.

Conditions:
Hereditary cancer-predisposing syndrome. Also called: Hereditary neoplastic syndrome; Tumor predisposition; Neoplastic Syndromes, Hereditary; Hereditary Cancer Syndrome. Identifiers: Orphanet 140162, MedGen C0027672, MeSH D009386, MONDO:0015356.
Familial cancer of breast. Also called: hereditary breast carcinoma; BREAST CANCER, FAMILIAL; Hereditary breast cancer. Identifiers: Orphanet 227535, MedGen C0346153, MONDO:0016419, OMIM 114480. Disease mechanism: loss of function.

Submissions (2):

Labcorp Genetics (formerly Invitae), Labcorp
Classification: Uncertain significance for Familial cancer of breast. Last evaluated: 2025-10-04. Review status: criteria provided, single submitter. Criteria: Invitae Variant Classification Sherloc (09022015). Collection method: clinical testing. Allele origin: germline.
Comment: This sequence change replaces serine, which is neutral and polar, with cysteine, which is neutral and slightly polar, at codon 204 of the PALB2 protein (p.Ser204Cys). This variant is not present in population databases (gnomAD no frequency). This variant has not been reported in the literature in individuals affected with PALB2-related conditions. ClinVar contains an entry for this variant (Variation ID: 571496). An algorithm developed to predict the effect of missense changes on protein structure and function outputs the following: PolyPhen-2: "Benign". The cysteine amino acid residue is found in multiple mammalian species, which suggests that this missense change does not adversely affect protein function. In summary, the available evidence is currently insufficient to determine the role of this variant in disease. Therefore, it has been classified as a Variant of Uncertain Significance.

Ambry Genetics
Classification: Uncertain significance for Hereditary cancer-predisposing syndrome. Last evaluated: 2022-07-07. Review status: criteria provided, single submitter. Criteria: Ambry Variant Classification Scheme 2023. Collection method: clinical testing. Allele origin: germline.
Comment: The p.S204C variant (also known as c.611C>G), located in coding exon 4 of the PALB2 gene, results from a C to G substitution at nucleotide position 611. The serine at codon 204 is replaced by cysteine, an amino acid with dissimilar properties. This amino acid position is not well conserved in available vertebrate species. In addition, this alteration is predicted to be tolerated by in silico analysis. Since supporting evidence is limited at this time, the clinical significance of this alteration remains unclear.

NM_024675.4(PALB2):c.611C>G (p.Ser204Cys)

Gene: PALB2 (partner and localizer of BRCA2; minus strand). Cytogenetic location: 16p12.2.
Variant type: single nucleotide variant.
Coding change: c.611C>G on transcript NM_024675.4 (MANE Select); coding-DNA position 611, C replaced by G.
Protein change: p.Ser204Cys; replaces serine 204 with cysteine.
Molecular consequence: missense variant.
Genome position (GRCh38, 1-based): chr16:23,635,935, G>C on the plus strand (C>G on the coding strand, the complement: PALB2 is on the minus strand). VCF-style: chr16-23635935-G-C. GRCh37 (hg19) VCF-style: chr16-23647256-G-C.
Other names: short protein forms S204C.
Identifiers: ClinVar variation 571496 (VCV000571496.12), dbSNP rs1567222638, ClinGen allele CA395136646.